The following is an entry in ClinVar:

ClinVar aggregate classification (germline): Uncertain significance (1 of 4 stars; one submission).

Allele frequency attached by ClinVar (database versions not stated): gnomAD exomes below 0.00001; TOPMed 0.00002.

Submission:

Labcorp Genetics (formerly Invitae), Labcorp
Classification: Uncertain significance. Last evaluated: 2022-11-22. Review status: criteria provided, single submitter. Criteria: Invitae Variant Classification Sherloc (09022015). Collection method: clinical testing. Allele origin: germline.
Comment: In summary, the available evidence is currently insufficient to determine the role of this variant in disease. Therefore, it has been classified as a Variant of Uncertain Significance. Algorithms developed to predict the effect of missense changes on protein structure and function are either unavailable or do not agree on the potential impact of this missense change (SIFT: "Tolerated"; PolyPhen-2: "Probably Damaging"; Align-GVGD: "Class C0"). ClinVar contains an entry for this variant (Variation ID: 967796). This variant has not been reported in the literature in individuals affected with PEX11B-related conditions. This variant is not present in population databases (gnomAD no frequency). This sequence change replaces serine, which is neutral and polar, with proline, which is neutral and non-polar, at codon 64 of the PEX11B protein (p.Ser64Pro).

NM_003846.3(PEX11B):c.190T>C (p.Ser64Pro)

Gene: PEX11B (peroxisomal biogenesis factor 11 beta; minus strand). Cytogenetic location: 1q21.1.
Variant type: single nucleotide variant.
Coding change: c.190T>C on transcript NM_003846.3 (MANE Select); coding-DNA position 190, T replaced by C.
Protein change: p.Ser64Pro; replaces serine 64 with proline.
Molecular consequence: missense variant. On other transcripts: non-coding transcript variant (3).
Genome position (GRCh38, 1-based): chr1:145,917,001, A>G on the plus strand (T>C on the coding strand, the complement: PEX11B is on the minus strand). VCF-style: chr1-145917001-A-G. GRCh37 (hg19) VCF-style: chr1-145518088-T-C.
Other names: c.148T>C, p.Ser50Pro (NM_001184795.1); short protein forms S64P, S50P.
Identifiers: ClinVar variation 967796 (VCV000967796.10), dbSNP rs1277395412, ClinGen allele CA342123802.